The following is an entry in ClinVar:

ClinVar aggregate classification (germline): Uncertain significance (1 of 4 stars; one submission).

Conditions:
Parenti-mignot neurodevelopmental syndrome. Identifiers: MedGen C5676984, MONDO:0859249, OMIM 619873.

Submission:

Dasa
Classification: Uncertain significance for Parenti-mignot neurodevelopmental syndrome. Last evaluated: 2025-11-27. Review status: criteria provided, single submitter. Criteria: DASA Assertion Criteria. Collection method: clinical testing. Allele origin: germline.
Comment: NM_015557.3(CHD5):c.1803-3C>T is a splice-region variant. This variant is absent from population databases. Computational prediction algorithms are consistent with a benign effect. The currently available literature and clinical evidence are not sufficient to establish a definitive association between this variant and the reported condition. Therefore, this variant is classified as a variant of uncertain significance.

NM_015557.3(CHD5):c.1803-3C>T

Gene: CHD5 (chromodomain helicase DNA binding protein 5; minus strand). Cytogenetic location: 1p36.31.
Variant type: single nucleotide variant.
Coding change: c.1803-3C>T on transcript NM_015557.3 (MANE Select); 3 bases into the intron before coding-DNA position 1803, C replaced by T.
Molecular consequence: intron variant.
Genome position (GRCh38, 1-based): chr1:6,144,158, G>A on the plus strand (C>T on the coding strand, the complement: CHD5 is on the minus strand). VCF-style: chr1-6144158-G-A. GRCh37 (hg19) VCF-style: chr1-6204218-G-A.
Identifiers: ClinVar variation 4881594 (VCV004881594.2).